The following is an entry in ClinVar:

NM_001029883.3(PCARE):c.*2293G>C

Gene: PCARE (photoreceptor cilium actin regulator; minus strand). Cytogenetic location: 2p23.2.
Variant type: single nucleotide variant.
Coding change: c.*2293G>C on transcript NM_001029883.3 (MANE Select); 2293 bases downstream of the stop codon, G replaced by C.
Molecular consequence: 3 prime UTR variant.
Genome position (GRCh38, 1-based): chr2:29,062,576, C>G on the plus strand (G>C on the coding strand, the complement: PCARE is on the minus strand). VCF-style: chr2-29062576-C-G. GRCh37 (hg19) VCF-style: chr2-29285442-C-G.
Identifiers: ClinVar variation 335587 (VCV000335587.5), dbSNP rs1562394, ClinGen allele CA10615180.

ClinVar aggregate classification (germline): Likely benign (1 of 4 stars; one submission).

Conditions:
Retinitis pigmentosa (RP). Identifiers: Orphanet 791, MedGen C0035334, MeSH D012174, MONDO:0019200, OMIM 268000. Inheritance: Autosomal dominant, autosomal recessive and X linked inheritance.

Allele frequency attached by ClinVar (database versions not stated): gnomAD 0.01746 and 0.01852; TOPMed 0.01968; 1000 Genomes Project 0.02117; 1000 Genomes Project 30x 0.02249.

Submission:

Illumina Laboratory Services, Illumina
Classification: Likely benign for Retinitis pigmentosa. Last evaluated: 2018-01-13. Review status: criteria provided, single submitter. Criteria: ICSL Variant Classification Criteria 13 December 2019. Collection method: clinical testing. Allele origin: germline.
Comment: This variant was observed in the ICSL laboratory as part of a predisposition screen in an ostensibly healthy population. It had not been previously curated by ICSL or reported in the Human Gene Mutation Database (HGMD: prior to June 1st, 2018), and was therefore a candidate for classification through an automated scoring system. Utilizing variant allele frequency, disease prevalence and penetrance estimates, and inheritance mode, an automated score was calculated to assess if this variant is too frequent to cause the disease. Based on the score and internal cut-off values, a variant classified as likely benign is not then subjected to further curation. The score for this variant resulted in a classification of likely benign for this disease.